The following is an entry in ClinVar:

NM_006231.4(POLE):c.343G>C (p.Glu115Gln)

Gene: POLE (DNA polymerase epsilon, catalytic subunit; minus strand). Cytogenetic location: 12q24.33.
Variant type: single nucleotide variant.
Coding change: c.343G>C on transcript NM_006231.4 (MANE Select); coding-DNA position 343, G replaced by C.
Protein change: p.Glu115Gln; replaces glutamic acid 115 with glutamine.
Molecular consequence: missense variant.
Genome position (GRCh38, 1-based): chr12:132,680,034, C>G on the plus strand (G>C on the coding strand, the complement: POLE is on the minus strand). VCF-style: chr12-132680034-C-G. GRCh37 (hg19) VCF-style: chr12-133256620-C-G.
Other names: short protein forms E115Q.
Identifiers: ClinVar variation 3781505 (VCV003781505.2).
Genomic context (GRCh38, chr12:132,680,034, plus strand): 5'-GGACAGTCTCCACTTTTGCAATTTTGCCCTGAAACTTCTTGGAGAGAAAAGATGAAACTT[C>G]TCGCTCACAACCCTAATCAGGATCAGAATGAAAAGGCTTTCCATTGGTAAAATACATTTC-3'
Protein context (NP_006222.2, residues 105-125): YIATRKGCER[Glu115Gln]VSSFLSKKFQ

ClinVar aggregate classification (germline): Uncertain significance. Review status: criteria provided, multiple submitters, no conflicts (2 of 4 stars). 2 submissions from 2 submitters: Uncertain significance (2). Last evaluated 2025-12-05.

Conditions:
Hereditary cancer-predisposing syndrome. Also called: Neoplastic Syndromes, Hereditary; Hereditary Cancer Syndrome; Tumor predisposition; Hereditary neoplastic syndrome. Identifiers: Orphanet 140162, MedGen C0027672, MeSH D009386, MONDO:0015356.

Submissions (2):

Labcorp Genetics (formerly Invitae), Labcorp
Classification: Uncertain significance. Last evaluated: 2025-12-05. Review status: criteria provided, single submitter. Criteria: Invitae Variant Classification Sherloc (09022015). Collection method: clinical testing. Allele origin: germline.
Comment: This sequence change replaces glutamic acid, which is acidic and polar, with glutamine, which is neutral and polar, at codon 115 of the POLE protein (p.Glu115Gln). This variant is not present in population databases (gnomAD no frequency). This variant has not been reported in the literature in individuals affected with POLE-related conditions. ClinVar contains an entry for this variant (Variation ID: 3781505). Invitae Evidence Modeling of protein sequence and biophysical properties (such as structural, functional, and spatial information, amino acid conservation, physicochemical variation, residue mobility, and thermodynamic stability) has been performed for this missense variant. However, the output from this modeling did not meet the statistical confidence thresholds required to predict the impact of this variant on POLE protein function. RNA analysis performed to evaluate the impact of this missense change on mRNA splicing indicates it does not significantly alter splicing (internal data). In summary, the available evidence is currently insufficient to determine the role of this variant in disease. Therefore, it has been classified as a Variant of Uncertain Significance.

Ambry Genetics
Classification: Uncertain significance for Hereditary cancer-predisposing syndrome. Last evaluated: 2025-03-07. Review status: criteria provided, single submitter. Criteria: Ambry Variant Classification Scheme 2023. Collection method: clinical testing. Allele origin: germline.
Comment: The p.E115Q variant (also known as c.343G>C), located in coding exon 5 of the POLE gene, results from a G to C substitution at nucleotide position 343. The glutamic acid at codon 115 is replaced by glutamine, an amino acid with highly similar properties. This amino acid position is highly conserved in available vertebrate species. In addition, this alteration is predicted to be tolerated by in silico analysis. Based on the available evidence, the clinical significance of this variant remains unclear.